The following is an entry in ClinVar:

ClinVar aggregate classification (germline): Uncertain significance (1 of 4 stars; one submission).

Submission:

Labcorp Genetics (formerly Invitae), Labcorp
Classification: Uncertain significance. Last evaluated: 2025-11-27. Review status: criteria provided, single submitter. Criteria: Invitae Variant Classification Sherloc (09022015). Collection method: clinical testing. Allele origin: germline.
Comment: This sequence change creates a premature translational stop signal (p.Asp333*) in the NPAT gene. It is expected to result in an absent or disrupted protein product. However, the current clinical and genetic evidence is not sufficient to establish whether loss-of-function variants in NPAT cause disease. This variant is present in population databases (no rsID available, gnomAD 0.0009%). This variant has not been reported in the literature in individuals affected with NPAT-related conditions. ClinVar contains an entry for this variant (Variation ID: 2985827). In summary, the available evidence is currently insufficient to determine the role of this variant in disease. Therefore, it has been classified as a Variant of Uncertain Significance.

NM_002519.3(NPAT):c.996dup (p.Asp333Ter)

Gene: NPAT (nuclear protein, coactivator of histone transcription; minus strand). Cytogenetic location: 11q22.3.
Variant type: Duplication.
Coding change: c.996dup on transcript NM_002519.3 (MANE Select); coding-DNA position 996, one base duplicated (T; older notation c.996dupT).
Protein change: p.Asp333Ter; replaces aspartic acid 333 with a stop codon.
Molecular consequence: nonsense.
Genome position (GRCh38, 1-based): chr11:108,177,001, A duplicated on the plus strand (T on the coding strand, the reverse complement: NPAT is on the minus strand); the first of 3 consecutive A bases (chr11:108,177,001-108,177,003); duplicating any one gives the same sequence. VCF-style (leftmost placement, unchanged base first): chr11-108177000-C-CA. GRCh37 (hg19) VCF-style: chr11-108047727-C-CA.
Other names: c.996dup, p.Asp333Ter (NM_001321307.1); short protein forms D333*.
Identifiers: ClinVar variation 2985827 (VCV002985827.3), dbSNP rs1489590768, ClinGen allele CA601682573.
Genomic context (GRCh38, chr11:108,177,000, plus strand): 5'-CAAAGAAATTGTAGAAGCCTTTTTTTTCTGTCTTGAAATAAATAGTCTCCTTACCATAGT[C>CA]AAAGAGATCAAAGAGTGCCTGAAATGCTGGGTCTGATTCTGTCTGTTCCAATATGTCCTG-3'